The following is an entry in ClinVar:

ClinVar aggregate classification (germline): Uncertain significance. Review status: criteria provided, multiple submitters, no conflicts (2 of 4 stars). 6 submissions from 6 submitters: Uncertain significance (5). 1 of the submissions does not count toward it. Last evaluated 2026-09-02.

Conditions:
LOXHD1-related disorder. Also called: LOXHD1-related condition.
Autosomal recessive nonsyndromic hearing loss 77. Identifiers: Orphanet 90636, MedGen C2746083, MONDO:0013119, OMIM 613079.

Allele frequency attached by ClinVar (database versions not stated): gnomAD 0.00004; gnomAD exomes 0.00004 and 0.00005; TOPMed 0.00007.
gnomAD v4.1: 82 of 1,551,690 alleles (0.0053%); highest among the groups gnomAD compares: East Asian, 0.0098%; no homozygotes.

Submissions (6):

PreventionGenetics, part of Exact Sciences
Classification: Uncertain significance for LOXHD1-related condition. Last evaluated: 2026-09-02. Review status: criteria provided, single submitter. Criteria: ACMG Guidelines, 2015. Collection method: clinical testing. Allele origin: germline.
Comment: The LOXHD1 c.176C>T variant is predicted to result in the amino acid substitution p.Thr59Met. To our knowledge, this variant has not been reported in the literature. This variant is reported in 0.0092% of alleles in individuals of East Asian descent in gnomAD. At this time, the clinical significance of this variant is uncertain due to the absence of conclusive functional and genetic evidence.

Labcorp Genetics (formerly Invitae), Labcorp
Classification: Uncertain significance. Last evaluated: 2024-01-28. Review status: criteria provided, single submitter. Criteria: Invitae Variant Classification Sherloc (09022015). Collection method: clinical testing. Allele origin: germline.
Comment: This sequence change replaces threonine, which is neutral and polar, with methionine, which is neutral and non-polar, at codon 59 of the LOXHD1 protein (p.Thr59Met). This variant is present in population databases (no rsID available, gnomAD 0.01%). This variant has not been reported in the literature in individuals affected with LOXHD1-related conditions. ClinVar contains an entry for this variant (Variation ID: 376939). Experimental studies and prediction algorithms are not available or were not evaluated, and the functional significance of this variant is currently unknown. In summary, the available evidence is currently insufficient to determine the role of this variant in disease. Therefore, it has been classified as a Variant of Uncertain Significance.

Blueprint Genetics
Classification: Uncertain significance. Last evaluated: 2023-10-19. Review status: criteria provided, single submitter. Criteria: ACMG Guidelines, 2015. Collection method: clinical testing. Allele origin: germline.

Fulgent Genetics
Classification: Uncertain significance for Autosomal recessive nonsyndromic hearing loss 77. Last evaluated: 2021-07-28. Review status: criteria provided, single submitter. Criteria: ACMG Guidelines, 2015. Collection method: clinical testing. Allele origin: unknown.

Center for Pediatric Genomic Medicine, Children's Mercy Hospital and Clinics
Classification: Uncertain significance. Last evaluated: 2016-09-13. Review status: criteria provided, single submitter. Criteria: ACMG Guidelines, 2015. Collection method: clinical testing. Allele origin: germline.
ClinVar note: Converted during submission from Uncertain Significance to Uncertain significance.

Natera, Inc.
Classification: Uncertain significance for Autosomal recessive deafness type 77. Last evaluated: 2019-10-28. Review status: no assertion criteria provided. Collection method: clinical testing. Allele origin: germline. Not counted in ClinVar's aggregate classification.

NM_001384474.1(LOXHD1):c.176C>T (p.Thr59Met)

Gene: LOXHD1 (lipoxygenase homology PLAT domains 1; minus strand). Cytogenetic location: 18q21.1.
Variant type: single nucleotide variant.
Coding change: c.176C>T on transcript NM_001384474.1 (MANE Select); coding-DNA position 176, C replaced by T.
Protein change: p.Thr59Met; replaces threonine 59 with methionine.
Molecular consequence: missense variant.
Genome position (GRCh38, 1-based): chr18:46,649,224, G>A on the plus strand (C>T on the coding strand, the complement: LOXHD1 is on the minus strand). VCF-style: chr18-46649224-G-A. GRCh37 (hg19) VCF-style: chr18-44229187-G-A.
Other names: c.176C>T, p.Thr59Met (NM_144612.7); c.176C>T (NM_144612.6); short protein forms T59M.
Identifiers: ClinVar variation 376939 (VCV000376939.9), dbSNP rs374871163, ClinGen allele CA16603215.